The following is an entry in ClinVar:

NM_002890.3(RASA1):c.1717C>T (p.Gln573Ter)

Genes: CCNH (cyclin H; minus strand), RASA1 (RAS p21 protein activator 1; plus strand). Cytogenetic location: 5q14.3.
Variant type: single nucleotide variant.
Coding change: c.1717C>T on transcript NM_002890.3 (MANE Select); coding-DNA position 1717, C replaced by T.
Protein change: p.Gln573Ter; replaces glutamine 573 with a stop codon.
Molecular consequence: nonsense. On other transcripts: intron variant (1).
Genome position (GRCh38, 1-based): chr5:87,372,136, C>T. VCF-style: chr5-87372136-C-T. GRCh37 (hg19) VCF-style: chr5-86667953-C-T.
Other names: c.1186C>T, p.Gln396Ter (NM_022650.3); c.933+22908G>A (NM_001364075.2); short protein forms Q396*, Q573*.
Identifiers: ClinVar variation 3774502 (VCV003774502.1).

ClinVar aggregate classification (germline): Pathogenic (1 of 4 stars; one submission).

Conditions:
Capillary malformation-arteriovenous malformation 1 (CMAVM1). Identifiers: Orphanet 137667, Orphanet 693907, MedGen C4747394, MONDO:0020783, OMIM 608354.

Submission:

Clinical Genomics Laboratory, Washington University in St. Louis
Classification: Pathogenic for Capillary malformation-arteriovenous malformation 1. Last evaluated: 2024-12-26. Review status: criteria provided, single submitter. Criteria: Leon-Quintero et al. (Clin Genet. 2025). Collection method: clinical testing. Allele origin: somatic. Affected: yes.
Comment: A RASA1 c.1717C>T (p.Gln573*) variant was identified at an allelic fraction consistent with somatic origin. This variant has been reported in the literature in at least two families with CM-AVM syndrome (Revencu N et al., PMID: 24038909; Zeng X et al., PMID: 30819650). It is absent from the general population (gnomAD v.4.1.0), indicating it is not a common variant. The RASA1 c.1717C>T (p.Gln573*) variant causes a premature termination codon which is predicted to lead to nonsense mediated decay. Based on available information and an internally developed protocol informed by the ACMG/AMP guidelines for variant interpretation (Leon-Quintero FZ et al., PMID: 39434542), the RASA1 c.1717C>T (p.Gln573*) variant is classified as pathogenic.